The following is an entry in ClinVar:

NM_000548.5(TSC2):c.4132C>G (p.Pro1378Ala)

Gene: TSC2 (TSC complex subunit 2; plus strand). Cytogenetic location: 16p13.3.
Variant type: single nucleotide variant.
Coding change: c.4132C>G on transcript NM_000548.5 (MANE Select); coding-DNA position 4132, C replaced by G.
Protein change: p.Pro1378Ala; replaces proline 1378 with alanine.
Molecular consequence: missense variant.
Genome position (GRCh38, 1-based): chr16:2,084,354, C>G. VCF-style: chr16-2084354-C-G. GRCh37 (hg19) VCF-style: chr16-2134355-C-G.
Other names: c.3931C>G, p.Pro1311Ala (NM_001077183.3); c.4063C>G, p.Pro1355Ala (NM_001114382.3); c.3823C>G, p.Pro1275Ala (NM_001318827.2); c.3787C>G, p.Pro1263Ala (NM_001318829.2); c.3400C>G, p.Pro1134Ala (NM_001318831.2); c.3964C>G, p.Pro1322Ala (NM_001318832.2); c.3934C>G, p.Pro1312Ala (NM_001363528.2); c.4000C>G, p.Pro1334Ala (NM_001370404.1); and 1 more; short protein forms P1378A, P1263A, P1322A, P1311A, P1335A, P1355A, P1275A, P1312A.
Identifiers: ClinVar variation 405976 (VCV000405976.12), dbSNP rs1060500921, ClinGen allele CA16614788.

ClinVar aggregate classification (germline): Uncertain significance. Review status: criteria provided, multiple submitters, no conflicts (2 of 4 stars). 2 submissions from 2 submitters: Uncertain significance (2). Last evaluated 2025-08-02.

Conditions:
Hereditary cancer-predisposing syndrome. Also called: Tumor predisposition; Neoplastic Syndromes, Hereditary; Hereditary Cancer Syndrome; Hereditary neoplastic syndrome. Identifiers: Orphanet 140162, MedGen C0027672, MeSH D009386, MONDO:0015356.
Tuberous sclerosis 2 (TSC2). Identifiers: Orphanet 805, MedGen C1860707, MONDO:0013199, OMIM 613254.

Submissions (2):

Ambry Genetics
Classification: Uncertain significance for Hereditary cancer-predisposing syndrome. Last evaluated: 2025-08-02. Review status: criteria provided, single submitter. Criteria: Ambry Variant Classification Scheme 2023. Collection method: clinical testing. Allele origin: germline.
Comment: The p.P1378A variant (also known as c.4132C>G), located in coding exon 33 of the TSC2 gene, results from a C to G substitution at nucleotide position 4132. The proline at codon 1378 is replaced by alanine, an amino acid with highly similar properties. This amino acid position is conserved. In addition, the in silico prediction for this alteration is inconclusive. Since supporting evidence is limited at this time, the clinical significance of this alteration remains unclear.

Labcorp Genetics (formerly Invitae), Labcorp
Classification: Uncertain significance for Tuberous sclerosis 2. Last evaluated: 2024-07-30. Review status: criteria provided, single submitter. Criteria: Invitae Variant Classification Sherloc (09022015). Collection method: clinical testing. Allele origin: germline.
Comment: This sequence change replaces proline, which is neutral and non-polar, with alanine, which is neutral and non-polar, at codon 1378 of the TSC2 protein (p.Pro1378Ala). This variant is not present in population databases (gnomAD no frequency). This variant has not been reported in the literature in individuals affected with TSC2-related conditions. ClinVar contains an entry for this variant (Variation ID: 405976). Advanced modeling of protein sequence and biophysical properties (such as structural, functional, and spatial information, amino acid conservation, physicochemical variation, residue mobility, and thermodynamic stability) performed at Invitae indicates that this missense variant is not expected to disrupt TSC2 protein function with a negative predictive value of 95%. In summary, the available evidence is currently insufficient to determine the role of this variant in disease. Therefore, it has been classified as a Variant of Uncertain Significance.